The following is an entry in ClinVar:

NM_024422.6(DSC2):c.354+6C>T

Gene: DSC2 (desmocollin 2; minus strand). Cytogenetic location: 18q12.1.
Variant type: single nucleotide variant.
Coding change: c.354+6C>T on transcript NM_024422.6 (MANE Select); 6 bases into the intron after coding-DNA position 354, C replaced by T.
Molecular consequence: intron variant.
Genome position (GRCh38, 1-based): chr18:31,092,095, G>A on the plus strand (C>T on the coding strand, the complement: DSC2 is on the minus strand). VCF-style: chr18-31092095-G-A. GRCh37 (hg19) VCF-style: chr18-28672058-G-A.
Other names: c.354+6C>T (NM_004949.5).
Identifiers: ClinVar variation 1171697 (VCV001171697.5), dbSNP rs1987618823, ClinGen allele CA988890221.
Genomic context (GRCh38, chr18:31,092,095, plus strand): 5'-TCCCTGGTAATGTTGATTACGTCTGAAGAAAAGATATCATTTCTTCATTTATGTAGCCTT[G>A]TATACCTTTGTTTGATGCTCCAAAAAGACAAATATTTTCTTCTTTTCTTGGTTCTCAGTG-3'

ClinVar aggregate classification (germline): Conflicting classifications of pathogenicity. Review status: criteria provided, conflicting classifications (1 of 4 stars). 3 submissions from 3 submitters: Uncertain significance (1); Likely benign (2). Last evaluated 2025-02-02.

Conditions:
Arrhythmogenic right ventricular dysplasia 11. Also called: Arrhythmogenic Right Ventricular Dysplasia/Cardiomyopathy11; ARRHYTHMOGENIC RIGHT VENTRICULAR DYSPLASIA, FAMILIAL, 11; Arrhythmogenic right ventricular dysplasia 11 with mild palmoplantar keratoderma and woolly hair. Identifiers: MedGen C1864850, MONDO:0012506, OMIM 610476.
Familial isolated arrhythmogenic right ventricular dysplasia. Identifiers: Orphanet 217656, MedGen C4274968, MONDO:0016342.
Cardiomyopathy (CMYO). Also called: Cardiomyopathies. Identifiers: Orphanet 167848, MedGen C0878544, MONDO:0004994, HP:0001638. Inheritance: Various modes of inheritance.

Allele frequency attached by ClinVar (database versions not stated): TOPMed below 0.00001; gnomAD 0.00001; gnomAD exomes below 0.00001.
gnomAD v4.1: 2 of 1,608,552 alleles (0.00012%); highest among the groups gnomAD compares: Non-Finnish European, 0.00017%; no homozygotes.

Submissions (3):

Labcorp Genetics (formerly Invitae), Labcorp
Classification: Uncertain significance for Arrhythmogenic right ventricular dysplasia 11. Last evaluated: 2025-02-02. Review status: criteria provided, single submitter. Criteria: Invitae Variant Classification Sherloc (09022015). Collection method: clinical testing. Allele origin: germline.
Comment: This sequence change falls in intron 3 of the DSC2 gene. It does not directly change the encoded amino acid sequence of the DSC2 protein. It affects a nucleotide within the consensus splice site. This variant is not present in population databases (gnomAD no frequency). This variant has not been reported in the literature in individuals affected with DSC2-related conditions. ClinVar contains an entry for this variant (Variation ID: 1171697). Variants that disrupt the consensus splice site are a relatively common cause of aberrant splicing (PMID: 17576681, 9536098). Algorithms developed to predict the effect of sequence changes on RNA splicing suggest that this variant is not likely to affect RNA splicing. In summary, the available evidence is currently insufficient to determine the role of this variant in disease. Therefore, it has been classified as a Variant of Uncertain Significance.

All of Us Research Program, National Institutes of Health
Classification: Likely benign for Familial isolated arrhythmogenic right ventricular dysplasia. Last evaluated: 2023-11-20. Review status: criteria provided, single submitter. Criteria: ACMG Guidelines, 2015. Collection method: clinical testing. Allele origin: germline. Inheritance: Autosomal dominant inheritance. Observed: 2 variant alleles, 2 heterozygotes.
Comment: This study involves interpretation of variants in research participants for the purpose of population health screening. Participant phenotype was not available at the time of variant classification. Additional details can be found in publication PMID: 35346344, PMCID: PMC8962531

Color Diagnostics, LLC DBA Color Health
Classification: Likely benign for Cardiomyopathy. Last evaluated: 2021-02-12. Review status: criteria provided, single submitter. Criteria: ACMG Guidelines, 2015. Collection method: clinical testing. Allele origin: germline.

Literature cited by the submitters: PubMed 17576681 (cited by Labcorp Genetics (formerly Invitae), Labcorp); PubMed 9536098 (cited by Labcorp Genetics (formerly Invitae), Labcorp).